The following is an entry in ClinVar:

ClinVar aggregate classification (germline): Uncertain significance. Review status: criteria provided, multiple submitters, no conflicts (2 of 4 stars). 2 submissions from 2 submitters: Uncertain significance (2). Last evaluated 2025-01-06.

Conditions:
Hereditary cancer-predisposing syndrome. Also called: Neoplastic Syndromes, Hereditary; Tumor predisposition; Hereditary neoplastic syndrome; Hereditary Cancer Syndrome. Identifiers: Orphanet 140162, MedGen C0027672, MeSH D009386, MONDO:0015356.
Fanconi anemia (FA). Also called: Fanconi's anemia. Identifiers: Orphanet 84, MedGen C0015625, MeSH D005199, MONDO:0019391.

gnomAD v4.1: 7 of 1,614,078 alleles (0.00043%); highest among the groups gnomAD compares: South Asian, 0.0077%; no homozygotes.

Submissions (2):

Labcorp Genetics (formerly Invitae), Labcorp
Classification: Uncertain significance for Fanconi anemia. Last evaluated: 2025-01-06. Review status: criteria provided, single submitter. Criteria: Invitae Variant Classification Sherloc (09022015). Collection method: clinical testing. Allele origin: germline.
Comment: This sequence change replaces histidine, which is basic and polar, with glutamine, which is neutral and polar, at codon 37 of the FANCC protein (p.His37Gln). This variant is present in population databases (no rsID available, gnomAD 0.003%). This variant has not been reported in the literature in individuals affected with FANCC-related conditions. ClinVar contains an entry for this variant (Variation ID: 3230355). Invitae Evidence Modeling of protein sequence and biophysical properties (such as structural, functional, and spatial information, amino acid conservation, physicochemical variation, residue mobility, and thermodynamic stability) has been performed for this missense variant. However, the output from this modeling did not meet the statistical confidence thresholds required to predict the impact of this variant on FANCC protein function. In summary, the available evidence is currently insufficient to determine the role of this variant in disease. Therefore, it has been classified as a Variant of Uncertain Significance.

Ambry Genetics
Classification: Uncertain significance for Hereditary cancer-predisposing syndrome. Last evaluated: 2023-09-24. Review status: criteria provided, single submitter. Criteria: Ambry Variant Classification Scheme 2023. Collection method: clinical testing. Allele origin: germline.
Comment: The p.H37Q variant (also known as c.111C>G), located in coding exon 1 of the FANCC gene, results from a C to G substitution at nucleotide position 111. The histidine at codon 37 is replaced by glutamine, an amino acid with highly similar properties. This amino acid position is conserved. In addition, the in silico prediction for this alteration is inconclusive. Since supporting evidence is limited at this time, the clinical significance of this alteration remains unclear.

NM_000136.3(FANCC):c.111C>G (p.His37Gln)

Gene: FANCC (FA complementation group C; minus strand). Cytogenetic location: 9q22.32.
Variant type: single nucleotide variant.
Coding change: c.111C>G on transcript NM_000136.3 (MANE Select); coding-DNA position 111, C replaced by G.
Protein change: p.His37Gln; replaces histidine 37 with glutamine.
Molecular consequence: missense variant.
Genome position (GRCh38, 1-based): chr9:95,249,181, G>C on the plus strand (C>G on the coding strand, the complement: FANCC is on the minus strand). VCF-style: chr9-95249181-G-C. GRCh37 (hg19) VCF-style: chr9-98011463-G-C.
Other names: c.111C>G, p.His37Gln (NM_001243743.2, NM_001243744.2); short protein forms H37Q.
Identifiers: ClinVar variation 3230355 (VCV003230355.3), dbSNP rs751219956, ClinGen allele CA374340309.